The following is an entry in ClinVar:

GRCh38/hg38 9p24.3(chr9:880176-914096)x1

Genes: DMRT1 (doublesex and mab-3 related transcription factor 1; plus strand), LOC130001445 (ATAC-STARR-seq lymphoblastoid silent region 19726; plus strand), LOC130001446 (ATAC-STARR-seq lymphoblastoid active region 28121; plus strand). Cytogenetic location: 9p24.3.
Variant type: copy number loss.
Change: copy number 1 (one copy instead of two) of chr9:880,176-914,096 (33.9 kb, GRCh38 coordinates, 1-based), cytogenetic band 9p24.3.
Identifiers: ClinVar variation 4852039 (VCV004852039.1).

ClinVar aggregate classification (germline): Likely pathogenic (1 of 4 stars; one submission).

Submission:

Clinical Genomics Laboratory, Laboratory for Precision Diagnostics, University of Washington
Classification: Likely pathogenic. Last evaluated: 2022-03-08. Review status: criteria provided, single submitter. Criteria: ACMG/ClinGen CNV Guidelines, 2019. Collection method: clinical testing. Allele origin: unknown. Affected: yes. Observed: 1 variant allele.
Comment: This deletion is approximately 34 kb in size and has breakpoints within intron 2 and intron 3 of DMRT1 (NM_021951.3). This results in a deletion of exon 3, which causes a shift in the reading frame and is predicted to result in loss of function of this copy of DMRT1. Small, intragenic deletions of DMRT1 have been reported in people with a spectrum of fertility and genito-urinary differences - see References. Exonic deletions of DMRT1 appear in the Database of Genomic Variants, a database of copy number variants detected in healthy people, though sex and gender aren't reported: nsv1023836 was found in 1 of 29,084 people and esv2758175 was found in 2 of 270 people. DECIPHER patient 290120 is a person of unknown sex and gender who has trigonocephaly and an isolated deletion of DMRT1 exon 3. The deletion was reported to be paternally inherited.

Literature cited by the submitters: PubMed 20685758; PubMed 22573722; PubMed 23555275; PubMed 34515237.